The following is an entry in ClinVar:

ClinVar aggregate classification (germline): Benign/Likely benign. Review status: criteria provided, multiple submitters, no conflicts (2 of 4 stars). 9 submissions from 9 submitters: Benign (2); Likely benign (6). 1 of the submissions does not count toward it. Last evaluated 2026-01-14.

Conditions:
USH2A-related disorder. Also called: USH2A-related condition; USH2A-related disorders. Identifiers: MedGen CN239332.
Retinal dystrophy. Also called: Inherited retinal dystrophy. Identifiers: Orphanet 71862, MedGen C0854723, MeSH D058499, MONDO:0019118, HP:0000556.
Usher syndrome type 2A. Also called: RETINAL DISEASE IN USHER SYNDROME TYPE IIA, MODIFIER OF; USHER SYNDROME, TYPE IIA. Identifiers: Orphanet 231178, Orphanet 886, MedGen C1848634, MONDO:0010169, OMIM 276901.

Allele frequency attached by ClinVar (database versions not stated): gnomAD 0.00011 and 0.00022; ESP Exome Variant Server 0.00015; TOPMed 0.00017; gnomAD exomes 0.00042 and 0.00043; ExAC 0.00053; 1000 Genomes Project 30x 0.00109; 1000 Genomes Project 0.00140.
gnomAD v4.1: 632 of 1,614,112 alleles (0.039%); highest among the groups gnomAD compares: East Asian, 1.2%; 5 homozygotes.

Submissions (9):

Labcorp Genetics (formerly Invitae), Labcorp
Classification: Likely benign. Last evaluated: 2026-01-14. Review status: criteria provided, single submitter. Criteria: Invitae Variant Classification Sherloc (09022015). Collection method: clinical testing. Allele origin: germline.

Blueprint Genetics
Classification: Likely benign. Last evaluated: 2024-02-28. Review status: criteria provided, single submitter. Criteria: ACMG Guidelines, 2015. Collection method: clinical testing. Allele origin: germline.

Dept Of Ophthalmology, Nagoya University
Classification: Benign for Retinal dystrophy. Last evaluated: 2023-10-01. Review status: criteria provided, single submitter. Criteria: Submitter's publication. Collection method: research. Allele origin: germline. Affected: yes.

Pars Genome Lab
Classification: Likely benign for Usher syndrome type 2A. Last evaluated: 2021-05-18. Review status: criteria provided, single submitter. Criteria: ACMG Guidelines, 2015. Collection method: clinical testing. Allele origin: germline. Affected: no.

GeneDx
Classification: Likely benign. Last evaluated: 2021-01-29. Review status: criteria provided, single submitter. Criteria: GeneDx Variant Classification Process June 2021. Collection method: clinical testing. Allele origin: germline. Affected: yes.
Comment: This variant is associated with the following publications: (PMID: 29899460, 24938718)

CeGaT Center for Human Genetics Tuebingen
Classification: Likely benign. Last evaluated: 2019-01-01. Review status: criteria provided, single submitter. Criteria: CeGaT Center For Human Genetics Tuebingen Variant Classification Criteria Version 2. Collection method: clinical testing. Allele origin: germline. Affected: yes. Observed: 1 variant allele.

Eurofins Ntd Llc (ga)
Classification: Likely benign. Last evaluated: 2016-06-28. Review status: criteria provided, single submitter. Criteria: EGL Classification Definitions 2015. Collection method: clinical testing. Allele origin: germline. Observed: 2 variant alleles, 2 heterozygotes.

Laboratory for Molecular Medicine, Mass General Brigham Personalized Medicine
Classification: Benign. Last evaluated: 2015-11-12. Review status: criteria provided, single submitter. Criteria: LMM Criteria. Collection method: clinical testing. Allele origin: germline. Observed: 2 variant alleles.
Comment: p.Arg4493His in exon 63 of USH2A: tjhis variant is not expected to have clinical significance because it has been identified in 0.71% (61/8646) of East Asian ch romosomes by the Exome Aggregation Consortium (ExAC. org; dbSNP rs138879998). It has been reported as a "less likely pathogenic vari ant" in an individual with retinitis pigmentosa (Xu 2014).

PreventionGenetics, part of Exact Sciences
Classification: Likely benign for USH2A-related condition. Last evaluated: 2020-07-03. Review status: no assertion criteria provided. Collection method: clinical testing. Allele origin: germline. Not counted in ClinVar's aggregate classification.
Comment: This variant is classified as likely benign based on ACMG/AMP sequence variant interpretation guidelines (Richards et al. 2015 PMID: 25741868, with internal and published modifications).

Literature cited by the submitters: PubMed 25078356 (cited by Eurofins Ntd Llc (ga)); PubMed 24938718 (cited by Laboratory for Molecular Medicine, Mass General Brigham Personalized Medicine).

NM_206933.4(USH2A):c.13478G>A (p.Arg4493His)

Gene: USH2A (usherin; minus strand). Cytogenetic location: 1q41.
Variant type: single nucleotide variant.
Coding change: c.13478G>A on transcript NM_206933.4 (MANE Select); coding-DNA position 13478, G replaced by A.
Protein change: p.Arg4493His; replaces arginine 4493 with histidine.
Molecular consequence: missense variant.
Genome position (GRCh38, 1-based): chr1:215,674,433, C>T on the plus strand (G>A on the coding strand, the complement: USH2A is on the minus strand). VCF-style: chr1-215674433-C-T. GRCh37 (hg19) VCF-style: chr1-215847775-C-T.
Other names: short protein forms R4493H.
Identifiers: ClinVar variation 198341 (VCV000198341.66), dbSNP rs138879998, ClinGen allele CA246929.
Genomic context (GRCh38, chr1:215,674,433, plus strand): 5'-TTGCTGGCAGTTACTGTGTAGCTATACTCCACACCTGGGGTGAGAGTAAAATCACGATAG[C>T]GTGTTTCCAAGCCTGTATATACAATGGTTCCATCCCTCCTAAGTTCATAACTTCTGATCT-3'
Protein context (NP_996816.3, residues 4483-4503): GTIVYTGLET[Arg4493His]YRDFTLTPGV